The following is an entry in ClinVar:

ClinVar aggregate classification (germline): Pathogenic/Likely pathogenic. Review status: criteria provided, multiple submitters, no conflicts (2 of 4 stars). 2 submissions from 2 submitters: Pathogenic (1); Likely pathogenic (1). Last evaluated 2026-01-01.

Conditions:
GSS-related disorders.

Submissions (2):

CeGaT Center for Human Genetics Tuebingen
Classification: Likely pathogenic. Last evaluated: 2026-01-01. Review status: criteria provided, single submitter. Criteria: CeGaT Center For Human Genetics Tuebingen Variant Classification Criteria Version 2. Collection method: clinical testing. Allele origin: germline. Affected: yes. Observed: 1 variant allele.
Comment: GSS: PM2, PM3, PP4, PS3:Supporting

Blueprint Genetics
Classification: Pathogenic for GSS-related disorders. Last evaluated: 2023-11-01. Review status: criteria provided, single submitter. Criteria: ACMG Guidelines, 2015. Collection method: clinical testing. Allele origin: germline. Affected: yes. Observed: 3 variant alleles.

NM_000178.4(GSS):c.129+1663A>G

Gene: GSS (glutathione synthetase; minus strand). Cytogenetic location: 20q11.22.
Variant type: single nucleotide variant.
Coding change: c.129+1663A>G on transcript NM_000178.4 (MANE Select); 1663 bases into the intron after coding-DNA position 129, A replaced by G.
Molecular consequence: intron variant.
Genome position (GRCh38, 1-based): chr20:34,950,061, T>C on the plus strand (A>G on the coding strand, the complement: GSS is on the minus strand). VCF-style: chr20-34950061-T-C. GRCh37 (hg19) VCF-style: chr20-33537864-T-C.
Other names: c.129+1663A>G (NM_001322494.1, NM_001322495.1).
Identifiers: ClinVar variation 4821899 (VCV004821899.5).